The following is an entry in ClinVar:

ClinVar aggregate classification (germline): Uncertain significance (1 of 4 stars; one submission).

Conditions:
Epilepsy, progressive myoclonic, 1B. Also called: PME. Identifiers: Orphanet 308, MedGen C2676254, MONDO:0012904, OMIM 612437.

Allele frequency attached by ClinVar (database versions not stated): gnomAD exomes below 0.00001; TOPMed below 0.00001.
gnomAD v4.1: 1 of 1,614,110 alleles (0.000062%); highest among the groups gnomAD compares: Non-Finnish European, 0.000085%; no homozygotes.

Submission:

Labcorp Genetics (formerly Invitae), Labcorp
Classification: Uncertain significance for Epilepsy, progressive myoclonic, 1B. Last evaluated: 2021-07-12. Review status: criteria provided, single submitter. Criteria: Invitae Variant Classification Sherloc (09022015). Collection method: clinical testing. Allele origin: germline.
Comment: Algorithms developed to predict the effect of missense changes on protein structure and function (SIFT, PolyPhen-2, Align-GVGD) all suggest that this variant is likely to be disruptive, but these predictions have not been confirmed by published functional studies and their clinical significance is uncertain. This variant has not been reported in the literature in individuals with PRICKLE1-related conditions. This variant is not present in population databases (ExAC no frequency). This sequence change replaces alanine with threonine at codon 139 of the PRICKLE1 protein (p.Ala139Thr). The alanine residue is highly conserved and there is a small physicochemical difference between alanine and threonine. In summary, the available evidence is currently insufficient to determine the role of this variant in disease. Therefore, it has been classified as a Variant of Uncertain Significance.

NM_153026.3(PRICKLE1):c.415G>A (p.Ala139Thr)

Gene: PRICKLE1 (prickle planar cell polarity protein 1; minus strand). Cytogenetic location: 12q12.
Variant type: single nucleotide variant.
Coding change: c.415G>A on transcript NM_153026.3 (MANE Select); coding-DNA position 415, G replaced by A.
Protein change: p.Ala139Thr; replaces alanine 139 with threonine.
Molecular consequence: missense variant.
Genome position (GRCh38, 1-based): chr12:42,468,799, C>T on the plus strand (G>A on the coding strand, the complement: PRICKLE1 is on the minus strand). VCF-style: chr12-42468799-C-T. GRCh37 (hg19) VCF-style: chr12-42862601-C-T.
Other names: c.415G>A, p.Ala139Thr (NM_001144881.2, NM_001144882.2, NM_001144883.2); short protein forms A139T.
Identifiers: ClinVar variation 1038966 (VCV001038966.9), dbSNP rs1938205447, ClinGen allele CA384444026.
Genomic context (GRCh38, chr12:42,468,799, plus strand): 5'-AACAGACAAAACAGGATGGGTGCCAGCACACACCAGGGCCCGCACGGGAGGCGAACACTG[C>T]AACTTCACCTCCATTTATCTTCAAACCACACTACAAACAAATGGGTTTGAATGTAAAAGG-3'
Protein context (NP_694571.2, residues 129-149): CGLKINGGEV[Ala139Thr]VFASRAGPGV